The following is an entry in ClinVar:

ClinVar aggregate classification (germline): Uncertain significance (1 of 4 stars; one submission).

Allele frequency attached by ClinVar (database versions not stated): gnomAD exomes 0.00004; gnomAD 0.00003; TOPMed 0.00003; ExAC 0.00004.
gnomAD v4.1: 54 of 1,555,382 alleles (0.0035%); highest among the groups gnomAD compares: Middle Eastern, 0.018%; no homozygotes.

Submission:

Labcorp Genetics (formerly Invitae), Labcorp
Classification: Uncertain significance. Last evaluated: 2022-09-27. Review status: criteria provided, single submitter. Criteria: Invitae Variant Classification Sherloc (09022015). Collection method: clinical testing. Allele origin: germline.
Comment: This variant has not been reported in the literature in individuals affected with SLIT2-related conditions. In summary, the available evidence is currently insufficient to determine the role of this variant in disease. Therefore, it has been classified as a Variant of Uncertain Significance. Algorithms developed to predict the effect of sequence changes on RNA splicing suggest that this variant may disrupt the consensus splice site. This variant is present in population databases (rs765566478, gnomAD 0.008%). This sequence change falls in intron 25 of the SLIT2 gene. It does not directly change the encoded amino acid sequence of the SLIT2 protein.

NM_004787.4(SLIT2):c.2562-12T>G

Gene: SLIT2 (slit guidance ligand 2; plus strand). Cytogenetic location: 4p15.31.
Variant type: single nucleotide variant.
Coding change: c.2562-12T>G on transcript NM_004787.4 (MANE Select); 12 bases into the intron before coding-DNA position 2562, T replaced by G.
Molecular consequence: intron variant.
Genome position (GRCh38, 1-based): chr4:20,553,793, T>G. VCF-style: chr4-20553793-T-G. GRCh37 (hg19) VCF-style: chr4-20555416-T-G.
Other names: c.2550-12T>G (NM_001289135.3); c.2538-12T>G (NM_001289136.3).
Identifiers: ClinVar variation 1991779 (VCV001991779.4), dbSNP rs765566478, ClinGen allele CA2871881.